The following is an entry in ClinVar:

NM_007194.4(CHEK2):c.540C>G (p.Arg180=)

Gene: CHEK2 (checkpoint kinase 2; minus strand). Cytogenetic location: 22q12.1.
Variant type: single nucleotide variant.
Coding change: c.540C>G on transcript NM_007194.4 (MANE Select); coding-DNA position 540, C replaced by G.
Protein change: p.Arg180=; no amino-acid change (arginine 180 retained).
Molecular consequence: synonymous variant. On other transcripts: 5 prime UTR variant (2), intron variant (1).
Genome position (GRCh38, 1-based): chr22:28,725,029, G>C on the plus strand (C>G on the coding strand, the complement: CHEK2 is on the minus strand). VCF-style: chr22-28725029-G-C. GRCh37 (hg19) VCF-style: chr22-29121017-G-C.
Other names: c.669C>G, p.Arg223= (NM_001005735.3, NM_001438294.1); c.-238C>G (NM_001257387.3); c.-124C>G (NM_001437942.1); c.633C>G, p.Arg211= (NM_001438293.1, NM_001438295.1); c.540C>G, p.Arg180= (NM_145862.3); c.445-106C>G (NM_001349956.3).
Identifiers: ClinVar variation 3772991 (VCV003772991.1).

ClinVar aggregate classification (germline): Benign (1 of 4 stars; one submission).

Conditions:
Familial cancer of breast. Also called: Hereditary breast cancer; BREAST CANCER, FAMILIAL; hereditary breast carcinoma. Identifiers: Orphanet 227535, MedGen C0346153, MONDO:0016419, OMIM 114480. Disease mechanism: loss of function.

Submission:

Myriad Genetics, Inc.
Classification: Benign for Familial cancer of breast. Last evaluated: 2024-10-02. Review status: criteria provided, single submitter. Criteria: Myriad Autosomal Dominant, Autosomal Recessive and X-Linked Classification Criteria (2023). Collection method: clinical testing. Allele origin: unknown.
Comment: This variant is considered benign. This variant is a silent/synonymous amino acid change and it is not expected to impact splicing.